The following is an entry in ClinVar:

NM_000218.3(KCNQ1):c.1276G>C (p.Asp426His)

Gene: KCNQ1 (potassium voltage-gated channel subfamily Q member 1; plus strand). Cytogenetic location: 11p15.5.
Variant type: single nucleotide variant.
Coding change: c.1276G>C on transcript NM_000218.3 (MANE Select); coding-DNA position 1276, G replaced by C.
Protein change: p.Asp426His; replaces aspartic acid 426 with histidine.
Molecular consequence: missense variant.
Genome position (GRCh38, 1-based): chr11:2,588,737, G>C. VCF-style: chr11-2588737-G-C. GRCh37 (hg19) VCF-style: chr11-2609967-G-C.
Other names: c.1180G>C, p.Asp394His (NM_001406836.1); c.1006G>C, p.Asp336His (NM_001406837.1); c.736G>C, p.Asp246His (NM_001406838.1); c.895G>C, p.Asp299His (NM_181798.2); short protein forms D246H, D299H, D336H, D394H, D426H.
Identifiers: ClinVar variation 3073332 (VCV003073332.1), dbSNP rs1848629407, ClinGen allele CA379134949.

ClinVar aggregate classification (germline): Uncertain significance (1 of 4 stars; one submission).

Conditions:
Long QT syndrome (LQTS). Identifiers: MedGen C0023976, MeSH D008133, MONDO:0002442. Disease mechanism: loss of function. Inheritance: Various modes of inheritance.

Submission:

All of Us Research Program, National Institutes of Health
Classification: Uncertain significance for Long QT syndrome. Last evaluated: 2023-09-04. Review status: criteria provided, single submitter. Criteria: ACMG Guidelines, 2015. Collection method: clinical testing. Allele origin: germline. Inheritance: Autosomal dominant inheritance. Observed: 1 variant allele, 1 heterozygote.
Comment: This missense variant replaces aspartic acid with histidine at codon 426 of the KCNQ1 protein. Computational prediction is inconclusive regarding the impact of this variant on protein structure and function (internally defined REVEL score threshold 0.5 < inconclusive < 0.7, PMID: 27666373). To our knowledge, functional studies have not been reported for this variant. This variant has not been reported in individuals affected with KCNQ1-related disorders in the literature. This variant has not been identified in the general population by the Genome Aggregation Database (gnomAD). The available evidence is insufficient to determine the role of this variant in disease conclusively. Therefore, this variant is classified as a Variant of Uncertain Significance.

This study involves interpretation of variants in research participants for the purpose of population health screening. Participant phenotype was not available at the time of variant classification. Additional details can be found in publication PMID: 35346344, PMCID: PMC8962531